The following is an entry in ClinVar:

NM_001042492.3(NF1):c.7744C>G (p.Gln2582Glu)

Gene: NF1 (neurofibromin 1; plus strand). Cytogenetic location: 17q11.2.
Variant type: single nucleotide variant.
Coding change: c.7744C>G on transcript NM_001042492.3 (MANE Select); coding-DNA position 7744, C replaced by G.
Protein change: p.Gln2582Glu; replaces glutamine 2582 with glutamic acid.
Molecular consequence: missense variant.
Genome position (GRCh38, 1-based): chr17:31,356,965, C>G. VCF-style: chr17-31356965-C-G. GRCh37 (hg19) VCF-style: chr17-29683983-C-G.
Other names: c.7681C>G, p.Gln2561Glu (NM_000267.4); short protein forms Q2561E, Q2582E.
Identifiers: ClinVar variation 1721492 (VCV001721492.9), dbSNP rs587781651, ClinGen allele CA399018320.

ClinVar aggregate classification (germline): Conflicting classifications of pathogenicity. Review status: criteria provided, conflicting classifications (1 of 4 stars). 2 submissions from 2 submitters: Uncertain significance (1); Likely benign (1). Last evaluated 2026-08-03.

Conditions:
Neurofibromatosis, type 1 (NF1). Also called: NEUROFIBROMATOSIS, TYPE I, SOMATIC; Neurofibromatosis, type I; VON RECKLINGHAUSEN DISEASE; Peripheral type neurofibromatosis. Identifiers: Orphanet 636, MedGen C0027831, MONDO:0018975, OMIM 162200. Disease mechanism: loss of function.
Hereditary cancer-predisposing syndrome. Also called: Tumor predisposition; Hereditary neoplastic syndrome; Neoplastic Syndromes, Hereditary; Hereditary Cancer Syndrome. Identifiers: Orphanet 140162, MedGen C0027672, MeSH D009386, MONDO:0015356.
Cardiovascular phenotype. Identifiers: MedGen CN230736.

Submissions (2):

Ambry Genetics
Classification: Likely benign for Cardiovascular phenotype; Hereditary cancer-predisposing syndrome. Last evaluated: 2026-08-03. Review status: criteria provided, single submitter. Criteria: Ambry Variant Classification Scheme 2023. Collection method: clinical testing. Allele origin: germline.

Labcorp Genetics (formerly Invitae), Labcorp
Classification: Uncertain significance for Neurofibromatosis, type 1. Last evaluated: 2022-10-12. Review status: criteria provided, single submitter. Criteria: Invitae Variant Classification Sherloc (09022015). Collection method: clinical testing. Allele origin: germline.
Comment: This sequence change replaces glutamine, which is neutral and polar, with glutamic acid, which is acidic and polar, at codon 2561 of the NF1 protein (p.Gln2561Glu). This variant is not present in population databases (gnomAD no frequency). This variant has not been reported in the literature in individuals affected with NF1-related conditions. Advanced modeling of protein sequence and biophysical properties (such as structural, functional, and spatial information, amino acid conservation, physicochemical variation, residue mobility, and thermodynamic stability) performed at Invitae indicates that this missense variant is not expected to disrupt NF1 protein function. In summary, the available evidence is currently insufficient to determine the role of this variant in disease. Therefore, it has been classified as a Variant of Uncertain Significance.